The following is an entry in ClinVar:

NM_002949.4(MRPL12):c.87A>G (p.Pro29=)

Gene: MRPL12 (mitochondrial ribosomal protein L12; plus strand). Cytogenetic location: 17q25.3.
Variant type: single nucleotide variant.
Coding change: c.87A>G on transcript NM_002949.4 (MANE Select); coding-DNA position 87, A replaced by G.
Protein change: p.Pro29=; no amino-acid change (proline 29 retained).
Molecular consequence: synonymous variant.
Genome position (GRCh38, 1-based): chr17:81,704,256, A>G. VCF-style: chr17-81704256-A-G. GRCh37 (hg19) VCF-style: chr17-79671286-A-G.
Identifiers: ClinVar variation 506652 (VCV000506652.1), dbSNP rs576782640, ClinGen allele CA8841248.

ClinVar aggregate classification (germline): Likely benign (1 of 4 stars; one submission).

Allele frequency attached by ClinVar (database versions not stated): gnomAD below 0.00001 and 0.00001; gnomAD exomes 0.00003 and 0.00006; ExAC 0.00009; 1000 Genomes Project 30x 0.00016; 1000 Genomes Project 0.00020.
gnomAD v4.1: 41 of 1,608,702 alleles (0.0025%); highest among the groups gnomAD compares: South Asian, 0.043%; no homozygotes.

Submission:

GeneDx
Classification: Likely benign. Last evaluated: 2017-05-22. Review status: criteria provided, single submitter. Criteria: GeneDx Variant Classification (06012015). Collection method: clinical testing. Allele origin: germline. Affected: yes.
Comment: This variant is considered likely benign or benign based on one or more of the following criteria: it is a conservative change, it occurs at a poorly conserved position in the protein, it is predicted to be benign by multiple in silico algorithms, and/or has population frequency not consistent with disease.